The following is an entry in ClinVar:

ClinVar aggregate classification (germline): Likely benign (0 of 4 stars; one submission).

Conditions:
UNC5C-related disorder. Also called: UNC5C-related condition.

Allele frequency attached by ClinVar (database versions not stated): gnomAD exomes 0.00019; ExAC 0.00033; 1000 Genomes Project 0.00060; 1000 Genomes Project 30x 0.00062; ESP Exome Variant Server 0.00077; gnomAD 0.00080; TOPMed 0.00087.
gnomAD v4.1: 402 of 1,612,478 alleles (0.025%); highest among the groups gnomAD compares: Middle Eastern, 0.29%; 3 homozygotes.

Submission:

PreventionGenetics, part of Exact Sciences
Classification: Likely benign for UNC5C-related condition. Last evaluated: 2019-08-05. Review status: no assertion criteria provided. Collection method: clinical testing. Allele origin: germline.
Comment: This variant is classified as likely benign based on ACMG/AMP sequence variant interpretation guidelines (Richards et al. 2015 PMID: 25741868, with internal and published modifications).

NM_003728.4(UNC5C):c.124+6G>A

Gene: UNC5C (unc-5 netrin receptor C; minus strand). Cytogenetic location: 4q22.3.
Variant type: single nucleotide variant.
Coding change: c.124+6G>A on transcript NM_003728.4 (MANE Select); 6 bases into the intron after coding-DNA position 124, G replaced by A.
Molecular consequence: intron variant.
Genome position (GRCh38, 1-based): chr4:95,548,728, C>T on the plus strand (G>A on the coding strand, the complement: UNC5C is on the minus strand). VCF-style: chr4-95548728-C-T. GRCh37 (hg19) VCF-style: chr4-96469879-C-T.
Identifiers: ClinVar variation 3034732 (VCV003034732.2), dbSNP rs201589427, ClinGen allele CA3016067.
Genomic context (GRCh38, chr4:95,548,728, plus strand): 5'-GAGGAGAGGAAGGAGGGAAGGAAGAAGCTAAGGGAGGTGGCCGCGGAGCTTGGCGGACCC[C>T]CTTACCTTGGGCGGCGGAGCCAGTGCCGCTGGCGCTGAGCAGGGCCAGGGCAGGTAGCAC-3'